The following is an entry in ClinVar:

NM_019112.4(ABCA7):c.1091C>G (p.Pro364Arg)

Gene: ABCA7 (ATP binding cassette subfamily A member 7; plus strand). Cytogenetic location: 19p13.3.
Variant type: single nucleotide variant.
Coding change: c.1091C>G on transcript NM_019112.4 (MANE Select); coding-DNA position 1091, C replaced by G.
Protein change: p.Pro364Arg; replaces proline 364 with arginine.
Molecular consequence: missense variant.
Genome position (GRCh38, 1-based): chr19:1,044,620, C>G. VCF-style: chr19-1044620-C-G. GRCh37 (hg19) VCF-style: chr19-1044619-C-G.
Other names: short protein forms P364R.
Identifiers: ClinVar variation 3108823 (VCV003108823.3), dbSNP rs146982710, ClinGen allele CA9032902.

ClinVar aggregate classification (germline): Uncertain significance. Review status: criteria provided, multiple submitters, no conflicts (2 of 4 stars). 2 submissions from 2 submitters: Uncertain significance (2). Last evaluated 2025-11-05.

Allele frequency attached by ClinVar (database versions not stated): gnomAD 0.00023; TOPMed 0.00030; ESP Exome Variant Server 0.00031; 1000 Genomes Project 0.00040; 1000 Genomes Project 30x 0.00031; ExAC 0.00038; gnomAD exomes 0.00028.
gnomAD v4.1: 461 of 1,613,296 alleles (0.029%); highest among the groups gnomAD compares: Middle Eastern, 0.25%; 1 homozygote.

Submissions (2):

Ambry Genetics
Classification: Uncertain significance. Last evaluated: 2025-11-05. Review status: criteria provided, single submitter. Criteria: Ambry Variant Classification Scheme 2023. Collection method: clinical testing. Allele origin: germline.

Women's Health and Genetics/Laboratory Corporation of America, LabCorp
Classification: Uncertain significance. Last evaluated: 2024-07-09. Review status: criteria provided, single submitter. Criteria: LabCorp Variant Classification Summary - May 2015. Collection method: clinical testing. Allele origin: germline.
Comment: Variant summary: ABCA7 c.1091C>G (p.Pro364Arg) results in a non-conservative amino acid change in the encoded protein sequence. Three of five in-silico tools predict a benign effect of the variant on protein function. The variant allele was found at a frequency of 0.00036 in 250050 control chromosomes. This frequency is not significantly higher than estimated for a pathogenic variant in ABCA7 causing Alzheimer Disease, Type 9, allowing no conclusion about variant significance. To our knowledge, no occurrence of c.1091C>G in individuals affected with Alzheimer Disease, Type 9 and no experimental evidence demonstrating its impact on protein function have been reported. ClinVar contains an entry for this variant (Variation ID: 3108823). Based on the evidence outlined above, the variant was classified as uncertain significance.